The following is an entry in ClinVar:

ClinVar aggregate classification (germline): Benign (1 of 4 stars; one submission).

Submission:

GeneDx
Classification: Benign. Last evaluated: 2018-06-14. Review status: criteria provided, single submitter. Criteria: GeneDx Variant Classification (06012015). Collection method: clinical testing. Allele origin: germline. Affected: yes.
Comment: This variant is considered likely benign or benign based on one or more of the following criteria: it is a conservative change, it occurs at a poorly conserved position in the protein, it is predicted to be benign by multiple in silico algorithms, and/or has population frequency not consistent with disease.

NM_152594.3(SPRED1):c.376+279_376+291del

Gene: SPRED1 (sprouty related EVH1 domain containing 1; plus strand). Cytogenetic location: 15q14.
Variant type: Deletion.
Coding change: c.376+279_376+291del on transcript NM_152594.3 (MANE Select); bases 279 to 291 of the intron after coding-DNA position 376, 13 bases deleted (CTTGAAGGAAGAG).
Molecular consequence: intron variant.
Genome position (GRCh38, 1-based): chr15:38,322,688-38,322,700, CTTGAAGGAAGAG deleted; deleting any 13 consecutive bases within chr15:38,322,683-38,322,700 gives the same sequence; the c. name uses the placement nearest the transcript's 3' end. VCF-style (leftmost placement, unchanged base first): chr15-38322682-TAAGAGCTTGAAGG-T. GRCh37 (hg19) VCF-style: chr15-38614883-TAAGAGCTTGAAGG-T.
Other names: c.376+274_376+286delAAGAGCTTGAAGG (NM_152594.2).
Identifiers: ClinVar variation 561883 (VCV000561883.1), dbSNP rs3841233, ClinGen allele CA269290409.